The following is an entry in ClinVar:

ClinVar aggregate classification (germline): Conflicting classifications of pathogenicity. Review status: criteria provided, conflicting classifications (1 of 4 stars). 2 submissions from 2 submitters: Uncertain significance (1); Likely benign (1). Last evaluated 2025-05-14.

Conditions:
ADCY10-related disorder. Also called: ADCY10-related condition.

Allele frequency attached by ClinVar (database versions not stated): gnomAD 0.00001.
gnomAD v4.1: 22 of 1,613,956 alleles (0.0014%); highest among the groups gnomAD compares: African/African-American, 0.019%; 1 homozygote.

Submissions (2):

PreventionGenetics, part of Exact Sciences
Classification: Uncertain significance for ADCY10-related condition. Last evaluated: 2025-05-14. Review status: criteria provided, single submitter. Criteria: ACMG Guidelines, 2015. Collection method: clinical testing. Allele origin: germline.
Comment: The ADCY10 c.4814C>T variant is predicted to result in the amino acid substitution p.Thr1605Ile. To our knowledge, this variant has not been reported in the literature or in gnomAD v2. However, in gnomAD v4 (available only on GRCh38), this variant is reported in 22 of 1613956 alleles, including 1 homozygote. This population data is not consistent with this variant being a primary cause of disease. Although we suspect that this variant may be benign, at this time, the clinical significance of this variant is uncertain due to the absence of conclusive functional and genetic evidence.

Ambry Genetics
Classification: Likely benign. Last evaluated: 2021-09-01. Review status: criteria provided, single submitter. Criteria: Ambry Variant Classification Scheme 2023. Collection method: clinical testing. Allele origin: germline.

NM_018417.6(ADCY10):c.4814C>T (p.Thr1605Ile)

Gene: ADCY10 (adenylate cyclase 10; minus strand). Cytogenetic location: 1q24.2.
Variant type: single nucleotide variant.
Coding change: c.4814C>T on transcript NM_018417.6 (MANE Select); coding-DNA position 4814, C replaced by T.
Protein change: p.Thr1605Ile; replaces threonine 1605 with isoleucine.
Molecular consequence: missense variant.
Genome position (GRCh38, 1-based): chr1:167,809,697, G>A on the plus strand (C>T on the coding strand, the complement: ADCY10 is on the minus strand). VCF-style: chr1-167809697-G-A. GRCh37 (hg19) VCF-style: chr1-167778934-G-A.
Other names: c.4355C>T, p.Thr1452Ile (NM_001167749.3); c.4538C>T, p.Thr1513Ile (NM_001297772.2); c.4814C>T (NM_018417.5); short protein forms T1452I, T1605I, T1513I.
Identifiers: ClinVar variation 2215552 (VCV002215552.3), dbSNP rs1662078067, ClinGen allele CA343091609.
Genomic context (GRCh38, chr1:167,809,697, plus strand): 5'-CAAGGACATAGTGCTTATTAAAATCTTTTTTCTTTGACATGTTAGAAATGATTGTCCACG[G>A]TATTAGCTCTCATCAGGAATTTGTTTTTTTGAAGATCCTGAATGTTTACCCTGCCTGCTA-3'
Protein context (NP_060887.2, residues 1595-1610): QKNKFLMRAN[Thr1605Ile]VDNHF